The following is an entry in ClinVar:

NM_012431.3(SEMA3E):c.1565A>G (p.Tyr522Cys)

Gene: SEMA3E (semaphorin 3E; minus strand). Cytogenetic location: 7q21.11.
Variant type: single nucleotide variant.
Coding change: c.1565A>G on transcript NM_012431.3 (MANE Select); coding-DNA position 1565, A replaced by G.
Protein change: p.Tyr522Cys; replaces tyrosine 522 with cysteine.
Molecular consequence: missense variant.
Genome position (GRCh38, 1-based): chr7:83,392,657, T>C on the plus strand (A>G on the coding strand, the complement: SEMA3E is on the minus strand). VCF-style: chr7-83392657-T-C. GRCh37 (hg19) VCF-style: chr7-83021973-T-C.
Other names: c.1385A>G, p.Tyr462Cys (NM_001178129.2); short protein forms Y522C, Y462C.
Identifiers: ClinVar variation 2082122 (VCV002082122.4), dbSNP rs2484292252, ClinGen allele CA367923423.

ClinVar aggregate classification (germline): Uncertain significance (1 of 4 stars; one submission).

Conditions:
CHARGE syndrome (CHARGE). Also called: Hittner Hirsch Kreh syndrome; CHARGE ASSOCIATION--COLOBOMA, HEART ANOMALY, CHOANAL ATRESIA, RETARDATION, GENITAL AND EAR ANOMALIES; Coloboma, heart anomaly, choanal atresia, retardation, genital and ear anomalies; CHARGE association; Hall-Hittner syndrome. Identifiers: Orphanet 138, MedGen C0265354, MONDO:0008965.

Allele frequency attached by ClinVar (database versions not stated): gnomAD exomes below 0.00001.
gnomAD v4.1: 2 of 1,613,854 alleles (0.00012%); highest among the groups gnomAD compares: Non-Finnish European, 0.00017%; no homozygotes.

Submission:

Labcorp Genetics (formerly Invitae), Labcorp
Classification: Uncertain significance for CHARGE syndrome. Last evaluated: 2022-05-19. Review status: criteria provided, single submitter. Criteria: Invitae Variant Classification Sherloc (09022015). Collection method: clinical testing. Allele origin: germline.
Comment: In summary, the available evidence is currently insufficient to determine the role of this variant in disease. Therefore, it has been classified as a Variant of Uncertain Significance. Algorithms developed to predict the effect of missense changes on protein structure and function are either unavailable or do not agree on the potential impact of this missense change (SIFT: "Deleterious"; PolyPhen-2: "Probably Damaging"; Align-GVGD: "Class C0"). This variant has not been reported in the literature in individuals affected with SEMA3E-related conditions. This variant is not present in population databases (gnomAD no frequency). This sequence change replaces tyrosine, which is neutral and polar, with cysteine, which is neutral and slightly polar, at codon 522 of the SEMA3E protein (p.Tyr522Cys).